The following is an entry in ClinVar:

NM_020297.4(ABCC9):c.4512+688A>G

Genes: ABCC9 (ATP binding cassette subfamily C member 9; minus strand), KCNJ8-AS1 (KCNJ8 antisense RNA 1; plus strand). Cytogenetic location: 12p12.1.
Variant type: single nucleotide variant.
Coding change: c.4512+688A>G on transcript NM_020297.4 (MANE Select); 688 bases into the intron after coding-DNA position 4512, A replaced by G.
Molecular consequence: intron variant. On other transcripts: missense variant (1).
Genome position (GRCh38, 1-based): chr12:21,805,310, T>C on the plus strand (A>G on the coding strand, the complement: ABCC9 is on the minus strand). VCF-style: chr12-21805310-T-C. GRCh37 (hg19) VCF-style: chr12-21958244-T-C.
Other names: c.4514A>G, p.His1505Arg (NM_005691.4); c.3645+688A>G (NM_001377274.1); c.4512+688A>G (NM_001377273.1); short protein forms H1505R.
Identifiers: ClinVar variation 847707 (VCV000847707.9), dbSNP rs1941760692, ClinGen allele CA384129690.

ClinVar aggregate classification (germline): Uncertain significance (1 of 4 stars; one submission).

Conditions:
Dilated cardiomyopathy 1O (CMD1O). Also called: CARDIOMYOPATHY, DILATED, WITH VENTRICULAR TACHYCARDIA. Identifiers: Orphanet 154, MedGen C1837839, MONDO:0012062, OMIM 608569.

Submission:

Labcorp Genetics (formerly Invitae), Labcorp
Classification: Uncertain significance for Dilated cardiomyopathy 1O. Last evaluated: 2019-01-25. Review status: criteria provided, single submitter. Criteria: Invitae Variant Classification Sherloc (09022015). Collection method: clinical testing. Allele origin: germline.
Comment: In summary, the available evidence is currently insufficient to determine the role of this variant in disease. Therefore, it has been classified as a Variant of Uncertain Significance. Algorithms developed to predict the effect of missense changes on protein structure and function are either unavailable or do not agree on the potential impact of this missense change (SIFT: "Deleterious"; PolyPhen-2: "Probably Damaging"; Align-GVGD: "Class C0"). This variant has not been reported in the literature in individuals with ABCC9-related conditions. This variant is not present in population databases (ExAC no frequency). This sequence change replaces histidine with arginine at codon 1505 of the ABCC9 protein (p.His1505Arg). The histidine residue is moderately conserved and there is a small physicochemical difference between histidine and arginine.